The following is an entry in ClinVar:

ClinVar aggregate classification (germline): Uncertain significance (1 of 4 stars; one submission).

Conditions:
Ataxia-telangiectasia syndrome (AT). Also called: LOUIS-BAR SYNDROME; Cerebello-oculocutaneous telangiectasia; Immunodeficiency with ataxia telangiectasia; Ataxia-telangiectasia, complementation group D; AT, COMPLEMENTATION GROUP C; ATAXIA-TELANGIECTASIA, COMPLEMENTATION GROUP A. Identifiers: Orphanet 100, MedGen C0004135, MONDO:0008840, OMIM 208900.

Submission:

Labcorp Genetics (formerly Invitae), Labcorp
Classification: Uncertain significance for Ataxia-telangiectasia syndrome. Last evaluated: 2025-04-22. Review status: criteria provided, single submitter. Criteria: Invitae Variant Classification Sherloc (09022015). Collection method: clinical testing. Allele origin: germline.
Comment: This sequence change replaces phenylalanine, which is neutral and non-polar, with leucine, which is neutral and non-polar, at codon 2779 of the ATM protein (p.Phe2779Leu). This variant is not present in population databases (gnomAD no frequency). This variant has not been reported in the literature in individuals affected with ATM-related conditions. Invitae Evidence Modeling of protein sequence and biophysical properties (such as structural, functional, and spatial information, amino acid conservation, physicochemical variation, residue mobility, and thermodynamic stability) indicates that this missense variant is not expected to disrupt ATM protein function with a negative predictive value of 95%. In summary, the available evidence is currently insufficient to determine the role of this variant in disease. Therefore, it has been classified as a Variant of Uncertain Significance.

NM_000051.4(ATM):c.8335T>C (p.Phe2779Leu)

Genes: ATM (ATM serine/threonine kinase; plus strand), C11orf65 (chromosome 11 open reading frame 65; minus strand). Cytogenetic location: 11q22.3.
Variant type: single nucleotide variant.
Coding change: c.8335T>C on transcript NM_000051.4 (MANE Select); coding-DNA position 8335, T replaced by C.
Protein change: p.Phe2779Leu; replaces phenylalanine 2779 with leucine.
Molecular consequence: missense variant. On other transcripts: intron variant (2).
Genome position (GRCh38, 1-based): chr11:108,343,288, T>C. VCF-style: chr11-108343288-T-C. GRCh37 (hg19) VCF-style: chr11-108214015-T-C.
Other names: c.8335T>C, p.Phe2779Leu (NM_001351834.2); c.641-34217A>G (NM_001330368.2); c.695-7996A>G (NM_001351110.2); short protein forms F2779L.
Identifiers: ClinVar variation 4747270 (VCV004747270.1).